The following is an entry in ClinVar:

ClinVar aggregate classification (germline): Pathogenic (1 of 4 stars; one submission).

Conditions:
Hyperammonemia, type III (NAGSD). Also called: Hyperammonemia due to N-acetylglutamate synthase deficiency. Identifiers: Orphanet 927, MedGen C0268543, MONDO:0009377, OMIM 237310.

Submission:

Labcorp Genetics (formerly Invitae), Labcorp
Classification: Pathogenic for Hyperammonemia, type III. Last evaluated: 2020-08-04. Review status: criteria provided, single submitter. Criteria: Invitae Variant Classification Sherloc (09022015). Collection method: clinical testing. Allele origin: germline.
Comment: This sequence change creates a premature translational stop signal (p.Arg38Glyfs*70) in the NAGS gene. It is expected to result in an absent or disrupted protein product. The frequency data for this variant in the population databases is considered unreliable, as metrics indicate insufficient coverage at this position in the ExAC database. This variant has not been reported in the literature in individuals with NAGS-related conditions. Loss-of-function variants in NAGS are known to be pathogenic (PMID: 12594532). For these reasons, this variant has been classified as Pathogenic.

Literature cited by the submitters: PubMed 12594532.

NM_153006.3(NAGS):c.111_120del (p.Arg38fs)

Gene: NAGS (N-acetylglutamate synthase; plus strand). Cytogenetic location: 17q21.31.
Variant type: Deletion.
Coding change: c.111_120del on transcript NM_153006.3 (MANE Select); coding-DNA positions 111 to 120, 10 bases deleted (GCGGGCGGCG; older notation c.111_120delGCGGGCGGCG).
Protein change: p.Arg38fs; shifts the reading frame from arginine 38.
Molecular consequence: frameshift variant.
Genome position (GRCh38, 1-based): chr17:44,004,774-44,004,783, GCGGGCGGCG deleted; deleting any 10 consecutive bases within chr17:44,004,768-44,004,783 gives the same sequence; the c. name uses the placement nearest the transcript's 3' end. VCF-style (leftmost placement, unchanged base first): chr17-44004767-CGCGGCGGCGG-C. GRCh37 (hg19) VCF-style: chr17-42082135-CGCGGCGGCGG-C.
Other names: short protein forms R38fs.
Identifiers: ClinVar variation 1069451 (VCV001069451.7), dbSNP rs2143978628, ClinGen allele CA2499224651.